The following is an entry in ClinVar:

ClinVar aggregate classification (germline): Pathogenic (1 of 4 stars; one submission).

Conditions:
Intellectual developmental disorder with dysmorphic facies and ptosis (IDDDFP). Identifiers: Orphanet 698090, MedGen C4310617, MONDO:0015022, OMIM 617333.

Submission:

Institute of Human Genetics, University of Leipzig Medical Center
Classification: Pathogenic for Intellectual developmental disorder with dysmorphic facies and ptosis. Last evaluated: 2025-12-15. Review status: criteria provided, single submitter. Criteria: ACMG Guidelines, 2015. Collection method: clinical testing. Allele origin: inherited. Inheritance: Autosomal dominant inheritance. Affected: yes.
Comment: Criteria applied: PVS1,PM2

NM_001003694.2(BRPF1):c.1044G>A (p.Trp348Ter)

Gene: BRPF1 (bromodomain and PHD finger containing 1; plus strand). Cytogenetic location: 3p25.3.
Variant type: single nucleotide variant.
Coding change: c.1044G>A on transcript NM_001003694.2 (MANE Select); coding-DNA position 1044, G replaced by A.
Protein change: p.Trp348Ter; replaces tryptophan 348 with a stop codon.
Molecular consequence: nonsense. On other transcripts: non-coding transcript variant (1).
Genome position (GRCh38, 1-based): chr3:9,739,443, G>A. VCF-style: chr3-9739443-G-A. GRCh37 (hg19) VCF-style: chr3-9781127-G-A.
Other names: c.1044G>A, p.Trp348Ter (NM_001319049.2, NM_001319050.2, NM_001410704.1 and 7 more transcripts); short protein forms W348*.
Identifiers: ClinVar variation 4683082 (VCV004683082.1).